The following is an entry in ClinVar:

NM_001374736.1(DST):c.21503C>G (p.Ala7168Gly)

Gene: DST (dystonin; minus strand). Cytogenetic location: 6p12.1.
Variant type: single nucleotide variant.
Coding change: c.21503C>G on transcript NM_001374736.1 (MANE Select); coding-DNA position 21503, C replaced by G.
Protein change: p.Ala7168Gly; replaces alanine 7168 with glycine.
Molecular consequence: missense variant.
Genome position (GRCh38, 1-based): chr6:56,482,078, G>C on the plus strand (C>G on the coding strand, the complement: DST is on the minus strand). VCF-style: chr6-56482078-G-C. GRCh37 (hg19) VCF-style: chr6-56346876-G-C.
Other names: c.15146C>G, p.Ala5049Gly (NM_001144769.5); c.14732C>G, p.Ala4911Gly (NM_001144770.2); c.21503C>G, p.Ala7168Gly (NM_001374722.1); c.20543C>G, p.Ala6848Gly (NM_001374729.1); c.14285C>G, p.Ala4762Gly (NM_001374730.1); c.21530C>G, p.Ala7177Gly (NM_001374734.1); c.13634C>G, p.Ala4545Gly (NM_015548.5); c.14612C>G, p.Ala4871Gly (NM_183380.4); short protein forms A4762G, A4911G, A7168G, A7177G, A5049G, A4545G, A4871G, A6848G.
Identifiers: ClinVar variation 969913 (VCV000969913.8), dbSNP rs201982383, ClinGen allele CA3866459.

ClinVar aggregate classification (germline): Uncertain significance. Review status: criteria provided, multiple submitters, no conflicts (2 of 4 stars). 2 submissions from 2 submitters: Uncertain significance (2). Last evaluated 2023-08-04.

Conditions:
Inborn genetic diseases. Identifiers: MedGen C0950123, MeSH D030342.
Epidermolysis bullosa simplex 3, localized or generalized intermediate, with BP230 deficiency (EBS3). Also called: Epidermolysis bullosa simplex, autosomal recessive 2; Epidermolysis bullosa simplex due to BP230 deficiency. Identifiers: Orphanet 412181, MedGen C3809470, MONDO:0014180, OMIM 615425.
Hereditary sensory and autonomic neuropathy type 6. Also called: Neuropathy, hereditary sensory and autonomic, type VI; HSAN VI. Identifiers: Orphanet 314381, MedGen C3539003, MONDO:0013839, OMIM 614653.

Allele frequency attached by ClinVar (database versions not stated): TOPMed below 0.00001; gnomAD exomes 0.00001 and 0.00002; ExAC 0.00003; gnomAD 0.00003; 1000 Genomes Project 30x 0.00016; 1000 Genomes Project 0.00020.
gnomAD v4.1: 27 of 1,613,554 alleles (0.0017%); highest among the groups gnomAD compares: Non-Finnish European, 0.0021%; no homozygotes.

Submissions (2):

Labcorp Genetics (formerly Invitae), Labcorp
Classification: Uncertain significance for Epidermolysis bullosa simplex 3, localized or generalized intermediate, with BP230 deficiency; Hereditary sensory and autonomic neuropathy type 6. Last evaluated: 2023-08-04. Review status: criteria provided, single submitter. Criteria: Invitae Variant Classification Sherloc (09022015). Collection method: clinical testing. Allele origin: germline.
Comment: The DST gene has multiple clinically relevant transcripts. This variant occurs in alternate transcript NM_015548.4, and corresponds to NM_001723.5:c.*133439C>G in the primary transcript. This sequence change replaces alanine, which is neutral and non-polar, with glycine, which is neutral and non-polar, at codon 4545 of the DST protein (p.Ala4545Gly). This variant is present in population databases (rs201982383, gnomAD 0.007%). This variant has not been reported in the literature in individuals affected with DST-related conditions. ClinVar contains an entry for this variant (Variation ID: 969913). Experimental studies and prediction algorithms are not available or were not evaluated, and the functional significance of this variant is currently unknown. In summary, the available evidence is currently insufficient to determine the role of this variant in disease. Therefore, it has been classified as a Variant of Uncertain Significance.

Ambry Genetics
Classification: Uncertain significance for Inborn genetic diseases. Last evaluated: 2021-02-24. Review status: criteria provided, single submitter. Criteria: Ambry Variant Classification Scheme 2023. Collection method: clinical testing. Allele origin: germline.
Comment: The p.A5049G variant (also known as c.15146C>G), located in coding exon 84 of the DST gene, results from a C to G substitution at nucleotide position 15146. The alanine at codon 5049 is replaced by glycine, an amino acid with similar properties. This amino acid position is well conserved in available vertebrate species. In addition, this alteration is predicted to be tolerated by in silico analysis. Since supporting evidence is limited at this time, the clinical significance of this alteration remains unclear.